The following is an entry in ClinVar:

NM_001378454.1(ALMS1):c.9589T>A (p.Ser3197Thr)

Gene: ALMS1 (ALMS1 centrosome and basal body associated protein; plus strand). Cytogenetic location: 2p13.1.
Variant type: single nucleotide variant.
Coding change: c.9589T>A on transcript NM_001378454.1 (MANE Select); coding-DNA position 9589, T replaced by A.
Protein change: p.Ser3197Thr; replaces serine 3197 with threonine.
Molecular consequence: missense variant.
Genome position (GRCh38, 1-based): chr2:73,519,824, T>A. VCF-style: chr2-73519824-T-A. GRCh37 (hg19) VCF-style: chr2-73746951-T-A.
Other names: c.9592T>A, p.Ser3198Thr (NM_015120.4); short protein forms S3198T, S3197T.
Identifiers: ClinVar variation 499779 (VCV000499779.30), dbSNP rs369682692, ClinGen allele CA1714705.

ClinVar aggregate classification (germline): Conflicting classifications of pathogenicity. Review status: criteria provided, conflicting classifications (1 of 4 stars). 10 submissions from 10 submitters: Uncertain significance (7); Likely benign (1). 2 of the submissions do not count toward it. Last evaluated 2026-02-17.

Conditions:
Cardiovascular phenotype. Identifiers: MedGen CN230736.
Alstrom syndrome (ALMS). Identifiers: Orphanet 64, MedGen C0268425, MONDO:0008763, OMIM 203800.

Allele frequency attached by ClinVar (database versions not stated): gnomAD exomes 0.00002 and 0.00003; ExAC 0.00003; 1000 Genomes Project 30x 0.00016; 1000 Genomes Project 0.00020; gnomAD 0.00022 and 0.00026; TOPMed 0.00022; ESP Exome Variant Server 0.00026.
gnomAD v4.1: 58 of 1,614,034 alleles (0.0036%); highest among the groups gnomAD compares: African/African-American, 0.065%; no homozygotes.

Submissions (10):

Women's Health and Genetics/Laboratory Corporation of America, LabCorp
Classification: Uncertain significance. Last evaluated: 2026-02-17. Review status: criteria provided, single submitter. Criteria: LabCorp Variant Classification Summary - May 2015. Collection method: clinical testing. Allele origin: germline.
Comment: Variant summary: ALMS1 c.9586T>A (p.Ser3196Thr) (also known as c.9592T>A, p.Ser3198Thr in RefSeq) results in a conservative amino acid change in the encoded protein sequence. Algorithms developed to predict the effect of missense changes on protein structure and function all suggest that this variant is likely to be tolerated. The variant allele was found at a frequency of 2.8e-05 in 249334 control chromosomes. The available data on variant occurrences in the general population are insufficient to allow any conclusion about variant significance. c.9586T>A has been observed in individual(s) affected with Usher Syndrome, without strong evidence for causality (Bujakowska_2014). These report(s) do not provide unequivocal conclusions about association of the variant with Alstrom syndrome. To our knowledge, no experimental evidence demonstrating an impact on protein function has been reported. ClinVar contains an entry for this variant (Variation ID: 499779). Based on the evidence outlined above, the variant was classified as uncertain significance.

Labcorp Genetics (formerly Invitae), Labcorp
Classification: Uncertain significance for Alstrom syndrome. Last evaluated: 2026-01-31. Review status: criteria provided, single submitter. Criteria: Invitae Variant Classification Sherloc (09022015). Collection method: clinical testing. Allele origin: germline.
Comment: This sequence change replaces serine, which is neutral and polar, with threonine, which is neutral and polar, at codon 3198 of the ALMS1 protein (p.Ser3198Thr). This variant is present in population databases (rs369682692, gnomAD 0.06%). This missense change has been observed in individual(s) with clinical feature of ALMS1-related conditions (PMID: 25468891). This variant is also known as c.9586T>A, p.Ser3196Thr. ClinVar contains an entry for this variant (Variation ID: 499779). Experimental studies and prediction algorithms are not available or were not evaluated, and the functional significance of this variant is currently unknown. In summary, the available evidence is currently insufficient to determine the role of this variant in disease. Therefore, it has been classified as a Variant of Uncertain Significance.

GeneDx
Classification: Uncertain significance. Last evaluated: 2025-03-18. Review status: criteria provided, single submitter. Criteria: GeneDx Variant Classification Process June 2021. Collection method: clinical testing. Allele origin: germline. Affected: yes.
Comment: In silico analysis indicates that this missense variant does not alter protein structure/function; Also known as p.(S3196T); This variant is associated with the following publications: (PMID: 25468891)

Clinical Genomics Laboratory, Washington University in St. Louis
Classification: Uncertain significance for Alstrom syndrome. Last evaluated: 2025-01-28. Review status: criteria provided, single submitter. Criteria: ACMG Guidelines, 2015. Collection method: clinical testing. Allele origin: germline.
Comment: The ALMS1 c.9589T>A (p.Ser3197Thr), also published as c.9586T>A (p.Ser3196Thr), has been reported as a germline variant in one individual with Usher syndrome, type 1 (Bujakowska KM et al., PMID: 25468891). These three ALMS1 variants may constitute a haplotype, which may be inferred from the similarity in their frequency in the population databases, and there is no data that shows that one of these three variants is in trans with the other two. The ALMS1 c.9589T>A (p.Ser3197Thr) variant has been reported in the ClinVar database as a germline variant of uncertain significance by six submitters and as a germline likely benign variant by one submitter (Variation ID: 499779). This variant has been observed on 14/280,724 alleles in the general population (gnomAD v2.1.1). Computational predictors suggest that the variant does not impact ALMS1 function. Due to limited information, and based on ACMG/AMP guidelines for variant interpretation (Richards S et al., PMID: 25741868), the clinical significance of this variant is uncertain at this time.

Ambry Genetics
Classification: Likely benign for Cardiovascular phenotype. Last evaluated: 2024-09-24. Review status: criteria provided, single submitter. Criteria: Ambry Variant Classification Scheme 2023. Collection method: clinical testing. Allele origin: germline.

Fulgent Genetics
Classification: Uncertain significance for Alstrom syndrome. Last evaluated: 2022-03-15. Review status: criteria provided, single submitter. Criteria: ACMG Guidelines, 2015. Collection method: clinical testing. Allele origin: unknown.

Blueprint Genetics
Classification: Uncertain significance. Last evaluated: 2022-03-09. Review status: criteria provided, single submitter. Criteria: ACMG Guidelines, 2015. Collection method: clinical testing. Allele origin: germline.

Eurofins Ntd Llc (ga)
Classification: Uncertain significance. Last evaluated: 2017-02-15. Review status: criteria provided, single submitter. Criteria: EGL Classification Definitions 2015. Collection method: clinical testing. Allele origin: germline. Observed: 1 variant allele, 1 heterozygote.

Natera, Inc.
Classification: Uncertain significance for Alstrom syndrome. Last evaluated: 2020-08-13. Review status: no assertion criteria provided. Collection method: clinical testing. Allele origin: germline. Not counted in ClinVar's aggregate classification.

Counsyl
Classification: Uncertain significance for Alstrom syndrome. Last evaluated: 2017-03-22. Review status: no assertion criteria provided. Collection method: clinical testing. Allele origin: unknown. Not counted in ClinVar's aggregate classification.

Literature cited by the submitters: PubMed 25468891 (cited by 4 submitters); PubMed 36413997 (cited by Ambry Genetics).